The following is an entry in ClinVar:

NM_033026.6(PCLO):c.8000C>T (p.Thr2667Ile)

Gene: PCLO (piccolo presynaptic cytomatrix protein; minus strand). Cytogenetic location: 7q21.11.
Variant type: single nucleotide variant.
Coding change: c.8000C>T on transcript NM_033026.6 (MANE Select); coding-DNA position 8000, C replaced by T.
Protein change: p.Thr2667Ile; replaces threonine 2667 with isoleucine.
Molecular consequence: missense variant.
Genome position (GRCh38, 1-based): chr7:82,952,953, G>A on the plus strand (C>T on the coding strand, the complement: PCLO is on the minus strand). VCF-style: chr7-82952953-G-A. GRCh37 (hg19) VCF-style: chr7-82582269-G-A.
Other names: c.8000C>T, p.Thr2667Ile (NM_014510.3); short protein forms T2667I.
Identifiers: ClinVar variation 2090645 (VCV002090645.4), dbSNP rs2535691899, ClinGen allele CA367914958.
Genomic context (GRCh38, chr7:82,952,953, plus strand): 5'-GGAGCTGTACTTCTGGTTGCTGAAACCTCAGTCTTGGAAACTTCAGTAGTGAGAAACTGT[G>A]TAACTGATGTGGGAGCTGCTTGAAATGAAGAGGGTGCTGTGACAGGGGTAGCAGAAAATG-3'
Protein context (NP_149015.2, residues 2657-2677): SSFQAAPTSV[Thr2667Ile]QFLTTEVSKT

ClinVar aggregate classification (germline): Uncertain significance (1 of 4 stars; one submission).

Allele frequency attached by ClinVar (database versions not stated): gnomAD exomes 0.00001.
gnomAD v4.1: 8 of 1,613,898 alleles (0.0005%); highest among the groups gnomAD compares: Non-Finnish European, 0.00068%; no homozygotes.

Submission:

Labcorp Genetics (formerly Invitae), Labcorp
Classification: Uncertain significance. Last evaluated: 2022-11-22. Review status: criteria provided, single submitter. Criteria: Invitae Variant Classification Sherloc (09022015). Collection method: clinical testing. Allele origin: germline.
Comment: In summary, the available evidence is currently insufficient to determine the role of this variant in disease. Therefore, it has been classified as a Variant of Uncertain Significance. Algorithms developed to predict the effect of missense changes on protein structure and function are either unavailable or do not agree on the potential impact of this missense change (SIFT: "Deleterious"; PolyPhen-2: "Not Available"; Align-GVGD: "Class C0"). This variant has not been reported in the literature in individuals affected with PCLO-related conditions. This variant is not present in population databases (gnomAD no frequency). This sequence change replaces threonine, which is neutral and polar, with isoleucine, which is neutral and non-polar, at codon 2667 of the PCLO protein (p.Thr2667Ile).